The following is an entry in ClinVar:

NC_000012.11:g.(?_133201283)_(133263901_?)del

Gene: POLE (DNA polymerase epsilon, catalytic subunit; minus strand). Cytogenetic location: 12q24.33.
Variant type: Deletion.
Identifiers: ClinVar variation 1007746 (VCV001007746.6).

ClinVar aggregate classification (germline): Pathogenic (1 of 4 stars; one submission).

Submission:

Labcorp Genetics (formerly Invitae), Labcorp
Classification: Pathogenic. Last evaluated: 2023-12-23. Review status: criteria provided, single submitter. Criteria: Invitae Variant Classification Sherloc (09022015). Collection method: clinical testing. Allele origin: germline.
Comment: A gross deletion of the genomic region encompassing the full coding sequence of the POLE gene has been identified. Loss-of-function variants in POLE are known to be pathogenic (PMID: 23230001, 25948378, 30503519). The boundaries of this event are unknown as they extend beyond the assayed region for this gene and therefore may encompass additional genes. This variant has not been reported in the literature in individuals affected with POLE-related conditions. For these reasons, this variant has been classified as Pathogenic.

Literature cited by the submitters: PubMed 23230001; PubMed 25948378; PubMed 30503519.